The following is an entry in ClinVar:

NM_001374736.1(DST):c.17296A>G (p.Asn5766Asp)

Gene: DST (dystonin; minus strand). Cytogenetic location: 6p12.1.
Variant type: single nucleotide variant.
Coding change: c.17296A>G on transcript NM_001374736.1 (MANE Select); coding-DNA position 17296, A replaced by G.
Protein change: p.Asn5766Asp; replaces asparagine 5766 with aspartic acid.
Molecular consequence: missense variant. On other transcripts: intron variant (2).
Genome position (GRCh38, 1-based): chr6:56,529,747, T>C on the plus strand (A>G on the coding strand, the complement: DST is on the minus strand). VCF-style: chr6-56529747-T-C. GRCh37 (hg19) VCF-style: chr6-56394545-T-C.
Other names: p.Asn3143Asp; c.10939A>G, p.Asn3647Asp (NM_001144769.5); c.10525A>G, p.Asn3509Asp (NM_001144770.2); c.17296A>G, p.Asn5766Asp (NM_001374722.1); c.17323A>G, p.Asn5775Asp (NM_001374734.1); c.10405A>G, p.Asn3469Asp (NM_001386100.1, NM_183380.4); c.9427A>G, p.Asn3143Asp (NM_015548.5); c.10377+227A>G (NM_001374730.1); and 1 more; short protein forms N3469D, N3509D, N3647D, N3143D, N5766D, N5775D.
Identifiers: ClinVar variation 1789859 (VCV001789859.5), dbSNP rs530170321, ClinGen allele CA3867461.

ClinVar aggregate classification (germline): Uncertain significance. Review status: criteria provided, multiple submitters, no conflicts (2 of 4 stars). 3 submissions from 3 submitters: Uncertain significance (3). Last evaluated 2025-08-07.

Conditions:
Inborn genetic diseases. Identifiers: MedGen C0950123, MeSH D030342.
Epidermolysis bullosa simplex 3, localized or generalized intermediate, with BP230 deficiency (EBS3). Also called: Epidermolysis bullosa simplex, autosomal recessive 2; Epidermolysis bullosa simplex due to BP230 deficiency. Identifiers: Orphanet 412181, MedGen C3809470, MONDO:0014180, OMIM 615425.
Hereditary sensory and autonomic neuropathy type 6. Also called: HSAN VI; Neuropathy, hereditary sensory and autonomic, type VI. Identifiers: Orphanet 314381, MedGen C3539003, MONDO:0013839, OMIM 614653.

Allele frequency attached by ClinVar (database versions not stated): TOPMed 0.00001; gnomAD exomes 0.00007; gnomAD 0.00011; ExAC 0.00023; 1000 Genomes Project 30x 0.00047; 1000 Genomes Project 0.00060.
gnomAD v4.1: 124 of 1,593,246 alleles (0.0078%); highest among the groups gnomAD compares: South Asian, 0.13%; 1 homozygote.

Submissions (3):

Mayo Clinic Laboratories, Mayo Clinic
Classification: Uncertain significance. Last evaluated: 2025-08-07. Review status: criteria provided, single submitter. Criteria: ACMG Guidelines, 2015. Collection method: clinical testing. Allele origin: germline. Observed: 1 variant allele.
Comment: BS1, BP4_moderate, PM3_supporting

Labcorp Genetics (formerly Invitae), Labcorp
Classification: Uncertain significance for Epidermolysis bullosa simplex 3, localized or generalized intermediate, with BP230 deficiency; Hereditary sensory and autonomic neuropathy type 6. Last evaluated: 2022-01-11. Review status: criteria provided, single submitter. Criteria: Invitae Variant Classification Sherloc (09022015). Collection method: clinical testing. Allele origin: germline.
Comment: The DST gene has multiple clinically relevant transcripts. This variant occurs in alternate transcript NM_015548.4, and corresponds to NM_001723.5:c.*85770A>G in the primary transcript. This sequence change replaces asparagine, which is neutral and polar, with aspartic acid, which is acidic and polar, at codon 3143 of the DST protein (p.Asn3143Asp). This variant is present in population databases (rs530170321, gnomAD 0.1%). This variant has not been reported in the literature in individuals affected with DST-related conditions. Experimental studies and prediction algorithms are not available or were not evaluated, and the functional significance of this variant is currently unknown. In summary, the available evidence is currently insufficient to determine the role of this variant in disease. Therefore, it has been classified as a Variant of Uncertain Significance.

Ambry Genetics
Classification: Uncertain significance for Inborn genetic diseases. Last evaluated: 2022-01-04. Review status: criteria provided, single submitter. Criteria: Ambry Variant Classification Scheme 2023. Collection method: clinical testing. Allele origin: germline.
Comment: The p.N3647D variant (also known as c.10939A>G), located in coding exon 60 of the DST gene, results from an A to G substitution at nucleotide position 10939. The asparagine at codon 3647 is replaced by aspartic acid, an amino acid with highly similar properties. This amino acid position is not well conserved in available vertebrate species. In addition, this alteration is predicted to be tolerated by in silico analysis. Since supporting evidence is limited at this time, the clinical significance of this alteration remains unclear.

Literature cited by the submitters: PubMed 34427245 (cited by Mayo Clinic Laboratories, Mayo Clinic); PubMed 35263888 (cited by Mayo Clinic Laboratories, Mayo Clinic).